The following is an entry in ClinVar:

NM_014844.5(TECPR2):c.916G>A (p.Glu306Lys)

Gene: TECPR2 (tectonin beta-propeller repeat containing 2; plus strand). Cytogenetic location: 14q32.31.
Variant type: single nucleotide variant.
Coding change: c.916G>A on transcript NM_014844.5 (MANE Select); coding-DNA position 916, G replaced by A.
Protein change: p.Glu306Lys; replaces glutamic acid 306 with lysine.
Molecular consequence: missense variant.
Genome position (GRCh38, 1-based): chr14:102,425,256, G>A. VCF-style: chr14-102425256-G-A. GRCh37 (hg19) VCF-style: chr14-102891593-G-A.
Other names: c.916G>A, p.Glu306Lys (NM_001172631.3); short protein forms E306K.
Identifiers: ClinVar variation 2143326 (VCV002143326.1), dbSNP rs767842978, ClinGen allele CA7357547.

ClinVar aggregate classification (germline): Uncertain significance (1 of 4 stars; one submission).

Conditions:
Hereditary spastic paraplegia 49 (HSAN9). Also called: Spastic paraplegia 49, autosomal recessive; TECPR2-Related Hereditary Sensory and Autonomic Neuropathy with Intellectual Disability; NEUROPATHY, HEREDITARY SENSORY AND AUTONOMIC, TYPE IX, WITH DEVELOPMENTAL DELAY. Identifiers: Orphanet 320385, MedGen C5190860, MONDO:0014016, OMIM 615031.

Allele frequency attached by ClinVar (database versions not stated): gnomAD exomes below 0.00001; ExAC 0.00001; TOPMed 0.00001.
gnomAD v4.1: 5 of 1,611,032 alleles (0.00031%); highest among the groups gnomAD compares: Admixed American, 0.0033%; no homozygotes.

Submission:

Labcorp Genetics (formerly Invitae), Labcorp
Classification: Uncertain significance for Hereditary spastic paraplegia 49. Last evaluated: 2019-10-18. Review status: criteria provided, single submitter. Criteria: Invitae Variant Classification Sherloc (09022015). Collection method: clinical testing. Allele origin: germline.
Comment: This sequence change replaces glutamic acid with lysine at codon 306 of the TECPR2 protein (p.Glu306Lys). The glutamic acid residue is moderately conserved and there is a small physicochemical difference between glutamic acid and lysine. This variant is present in population databases (rs767842978, ExAC 0.009%). This variant has not been reported in the literature in individuals with TECPR2-related disease. Algorithms developed to predict the effect of missense changes on protein structure and function are either unavailable or do not agree on the potential impact of this missense change (SIFT: "Tolerated"; PolyPhen-2: "Possibly Damaging"; Align-GVGD: "Class C0"). In summary, the available evidence is currently insufficient to determine the role of this variant in disease. Therefore, it has been classified as a Variant of Uncertain Significance.